The following is an entry in ClinVar:

ClinVar aggregate classification (germline): Likely benign. Review status: criteria provided, multiple submitters, no conflicts (2 of 4 stars). 3 submissions from 3 submitters: Likely benign (2). 1 of the submissions does not count toward it. Last evaluated 2026-09-09.

Conditions:
Mucolipidosis type II. Also called: Mucolipidosis II Alpha/Beta; ML II ALPHA/BETA; Mucolipidosis 2; ML 2; Inclusion cell disease; Leroy Disease. Identifiers: Orphanet 576, MedGen C2673377, MONDO:0009650, OMIM 252500.
Pseudo-Hurler polydystrophy. Also called: MUCOLIPIDOSIS IIIA; ML III; ML III ALPHA/BETA; Type III Mucolipidosis; ML IIIA; Mucolipidosis III Alpha/Beta. Identifiers: Orphanet 423461, Orphanet 577, MedGen C0033788, MONDO:0018931, OMIM 252600.
GNPTAB-Related Disorders. Also called: GNPTAB-related condition; GNPTAB-related disorder. Identifiers: MedGen CN381523.

Allele frequency attached by ClinVar (database versions not stated): TOPMed 0.00009; gnomAD 0.00010 and 0.00011; gnomAD exomes 0.00010 and 0.00018; ExAC 0.00012; ESP Exome Variant Server 0.00031; 1000 Genomes Project 0.00040; 1000 Genomes Project 30x 0.00047.
gnomAD v4.1: 292 of 1,613,686 alleles (0.018%); highest among the groups gnomAD compares: Non-Finnish European, 0.023%; no homozygotes.

Submissions (3):

PreventionGenetics, part of Exact Sciences
Classification: Likely benign for GNPTAB-related condition. Last evaluated: 2026-09-09. Review status: criteria provided, single submitter. Criteria: ACMG Guidelines, 2015. Collection method: clinical testing. Allele origin: germline.
Comment: This variant is classified as likely benign based on ACMG/AMP sequence variant interpretation guidelines (Richards et al. 2015 PMID: 25741868, with internal and published modifications).

Labcorp Genetics (formerly Invitae), Labcorp
Classification: Likely benign for Pseudo-Hurler polydystrophy; Mucolipidosis type II. Last evaluated: 2026-01-28. Review status: criteria provided, single submitter. Criteria: Invitae Variant Classification Sherloc (09022015). Collection method: clinical testing. Allele origin: germline.

Natera, Inc.
Classification: Likely benign for Mucolipidosis type II. Last evaluated: 2020-04-17. Review status: no assertion criteria provided. Collection method: clinical testing. Allele origin: germline. Not counted in ClinVar's aggregate classification.

NM_024312.5(GNPTAB):c.2748C>T (p.Tyr916=)

Gene: GNPTAB (N-acetylglucosamine-1-phosphate transferase subunits alpha and beta; minus strand). Cytogenetic location: 12q23.2.
Variant type: single nucleotide variant.
Coding change: c.2748C>T on transcript NM_024312.5 (MANE Select); coding-DNA position 2748, C replaced by T.
Protein change: p.Tyr916=; no amino-acid change (tyrosine 916 retained).
Molecular consequence: synonymous variant.
Genome position (GRCh38, 1-based): chr12:101,761,731, G>A on the plus strand (C>T on the coding strand, the complement: GNPTAB is on the minus strand). VCF-style: chr12-101761731-G-A. GRCh37 (hg19) VCF-style: chr12-102155509-G-A.
Identifiers: ClinVar variation 756741 (VCV000756741.13), dbSNP rs143931833, ClinGen allele CA6746350.